The following is an entry in ClinVar:

ClinVar aggregate classification (germline): Uncertain significance (1 of 4 stars; one submission).

Submission:

Labcorp Genetics (formerly Invitae), Labcorp
Classification: Uncertain significance. Last evaluated: 2023-05-02. Review status: criteria provided, single submitter. Criteria: Invitae Variant Classification Sherloc (09022015). Collection method: clinical testing. Allele origin: germline.
Comment: This sequence change replaces proline, which is neutral and non-polar, with serine, which is neutral and polar, at codon 177 of the TBX20 protein (p.Pro177Ser). This variant is not present in population databases (gnomAD no frequency). In summary, the available evidence is currently insufficient to determine the role of this variant in disease. Therefore, it has been classified as a Variant of Uncertain Significance. Advanced modeling of protein sequence and biophysical properties (such as structural, functional, and spatial information, amino acid conservation, physicochemical variation, residue mobility, and thermodynamic stability) performed at Invitae indicates that this missense variant is not expected to disrupt TBX20 protein function. This variant has not been reported in the literature in individuals affected with TBX20-related conditions.

NM_001077653.2(TBX20):c.529C>T (p.Pro177Ser)

Gene: TBX20 (T-box transcription factor 20; minus strand). Cytogenetic location: 7p14.2.
Variant type: single nucleotide variant.
Coding change: c.529C>T on transcript NM_001077653.2 (MANE Select); coding-DNA position 529, C replaced by T.
Protein change: p.Pro177Ser; replaces proline 177 with serine.
Molecular consequence: missense variant.
Genome position (GRCh38, 1-based): chr7:35,248,693, G>A on the plus strand (C>T on the coding strand, the complement: TBX20 is on the minus strand). VCF-style: chr7-35248693-G-A. GRCh37 (hg19) VCF-style: chr7-35288305-G-A.
Other names: c.529C>T, p.Pro177Ser (NM_001166220.1); short protein forms P177S.
Identifiers: ClinVar variation 3018628 (VCV003018628.3), dbSNP rs1790241659, ClinGen allele CA367264548.
Genomic context (GRCh38, chr7:35,248,693, plus strand): 5'-GATGCACTAACAGTTTTCTCAGTGAAAAATCTGGAGGCACGAACCTGGCTGGCAACGGCG[G>A]GTCGGCCTTGCCAGCCACCAGCCAGGAGGACCGGTGGTAGGCGTAGCGGTACCTCTTGTT-3'
Protein context (NP_001071121.1, residues 167-187): SSWLVAGKAD[Pro177Ser]PLPARLYVHP